The following is an entry in ClinVar:

NM_000059.4(BRCA2):c.4207A>G (p.Thr1403Ala)

Gene: BRCA2 (BRCA2 DNA repair associated; plus strand). Cytogenetic location: 13q13.1.
Variant type: single nucleotide variant.
Coding change: c.4207A>G on transcript NM_000059.4 (MANE Select); coding-DNA position 4207, A replaced by G.
Protein change: p.Thr1403Ala; replaces threonine 1403 with alanine.
Molecular consequence: missense variant.
Genome position (GRCh38, 1-based): chr13:32,338,562, A>G. VCF-style: chr13-32338562-A-G. GRCh37 (hg19) VCF-style: chr13-32912699-A-G.
Other names: short protein forms T1403A.
Identifiers: ClinVar variation 1041458 (VCV001041458.13), dbSNP rs2072498842, ClinGen allele CA387780242.

ClinVar aggregate classification (germline): Conflicting classifications of pathogenicity. Review status: criteria provided, conflicting classifications (1 of 4 stars). 4 submissions from 4 submitters: Uncertain significance (3); Likely benign (1). Last evaluated 2023-03-23.

Conditions:
Hereditary cancer-predisposing syndrome. Also called: Hereditary Cancer Syndrome; Tumor predisposition; Hereditary neoplastic syndrome; Neoplastic Syndromes, Hereditary. Identifiers: Orphanet 140162, MedGen C0027672, MeSH D009386, MONDO:0015356.
Hereditary breast ovarian cancer syndrome. Also called: Hereditary breast and ovarian cancer syndrome (HBOC); Breast and ovarian cancer; Hereditary breast and ovarian cancer syndrome; Hereditary breast and ovarian cancer; Hereditary breast and/or ovarian cancer syndrome; BRCA1- and BRCA2-Associated Hereditary Breast and Ovarian Cancer. Identifiers: Orphanet 145, MedGen C0677776, MeSH D061325, MONDO:0003582. Disease mechanism: loss of function.

Submissions (4):

University of Washington Department of Laboratory Medicine, University of Washington
Classification: Likely benign for Hereditary cancer-predisposing syndrome. Last evaluated: 2023-03-23. Review status: criteria provided, single submitter. Criteria: Dines et al. (Genet Med. 2020). Collection method: curation. Allele origin: germline.
Comment: Missense variant in a coldspot region where missense variants are very unlikely to be pathogenic (PMID:31911673).

BRCA2 exon 11 coldspot. Reclassification based on statistical prior probability.

Quest Diagnostics Nichols Institute San Juan Capistrano
Classification: Uncertain significance. Last evaluated: 2022-10-03. Review status: criteria provided, single submitter. Criteria: Quest Diagnostics criteria. Collection method: clinical testing. Allele origin: unknown.
Comment: It has not been reported in large, multi-ethnic general populations. In the published literature, the variant has been reported in an individual with breast cancer (PMID: 32879886 (2020)). Analysis of this variant using bioinformatics tools for the prediction of the effect of amino acid changes on protein structure and function yielded predictions that this variant is benign. Based on the available information, we are unable to determine the clinical significance of this variant.

Ambry Genetics
Classification: Uncertain significance for Hereditary cancer-predisposing syndrome. Last evaluated: 2022-04-13. Review status: criteria provided, single submitter. Criteria: Ambry Variant Classification Scheme 2023. Collection method: clinical testing. Allele origin: germline.
Comment: The p.T1403A variant (also known as c.4207A>G), located in coding exon 10 of the BRCA2 gene, results from an A to G substitution at nucleotide position 4207. The threonine at codon 1403 is replaced by alanine, an amino acid with similar properties. This amino acid position is not well conserved in available vertebrate species. In addition, this alteration is predicted to be tolerated by in silico analysis. Since supporting evidence is limited at this time, the clinical significance of this alteration remains unclear.

Labcorp Genetics (formerly Invitae), Labcorp
Classification: Uncertain significance for Hereditary breast ovarian cancer syndrome. Last evaluated: 2020-04-28. Review status: criteria provided, single submitter. Criteria: Invitae Variant Classification Sherloc (09022015). Collection method: clinical testing. Allele origin: germline.
Comment: This variant has not been reported in the literature in individuals with BRCA2-related conditions. This variant is not present in population databases (ExAC no frequency). This sequence change replaces threonine with alanine at codon 1403 of the BRCA2 protein (p.Thr1403Ala). The threonine residue is weakly conserved and there is a small physicochemical difference between threonine and alanine. Algorithms developed to predict the effect of missense changes on protein structure and function output the following: SIFT: "Tolerated"; PolyPhen-2: "Benign"; Align-GVGD: "Class C0". The alanine amino acid residue is found in multiple mammalian species, suggesting that this missense change does not adversely affect protein function. These predictions have not been confirmed by published functional studies and their clinical significance is uncertain. In summary, the available evidence is currently insufficient to determine the role of this variant in disease. Therefore, it has been classified as a Variant of Uncertain Significance.

Literature cited by the submitters: PubMed 32879886 (cited by Quest Diagnostics Nichols Institute San Juan Capistrano and Ambry Genetics).